The following continues an entry in ClinVar:

NM_000433.4(NCF2):c.1001-10T>G

Gene: NCF2. ClinVar aggregate classification (germline): Benign/Likely benign. Benign (6); Likely benign (1).

Submissions 30 to 45 of 45:

Dr. Peter K. Rogan Lab, Western University
No classification provided (evidence only). Condition: Malignant tumor of esophagus. Review status: no classification provided. Collection method: in vitro. Allele origin: not applicable. Functional consequence: retained intron. Not counted in ClinVar's aggregate classification.

Dr. Peter K. Rogan Lab, Western University
No classification provided (evidence only). Condition: Familial pancreatic carcinoma. Review status: no classification provided. Collection method: in vitro. Allele origin: not applicable. Functional consequence: retained intron. Not counted in ClinVar's aggregate classification.

Dr. Peter K. Rogan Lab, Western University
No classification provided (evidence only). Condition: Familial pancreatic carcinoma. Review status: no classification provided. Collection method: in vitro. Allele origin: not applicable. Functional consequence: retained intron. Not counted in ClinVar's aggregate classification.

Dr. Peter K. Rogan Lab, Western University
No classification provided (evidence only). Condition: Familial pancreatic carcinoma. Review status: no classification provided. Collection method: in vitro. Allele origin: not applicable. Functional consequence: skipped exon. Not counted in ClinVar's aggregate classification.

Dr. Peter K. Rogan Lab, Western University
No classification provided (evidence only). Condition: Lymphoma. Review status: no classification provided. Collection method: in vitro. Allele origin: not applicable. Functional consequence: retained intron. Not counted in ClinVar's aggregate classification.

Dr. Peter K. Rogan Lab, Western University
No classification provided (evidence only). Condition: Lymphoma. Review status: no classification provided. Collection method: in vitro. Allele origin: not applicable. Functional consequence: retained intron. Not counted in ClinVar's aggregate classification.

Dr. Peter K. Rogan Lab, Western University
No classification provided (evidence only). Condition: Lymphoma. Review status: no classification provided. Collection method: in vitro. Allele origin: not applicable. Functional consequence: skipped exon, retained intron. Not counted in ClinVar's aggregate classification.

Dr. Peter K. Rogan Lab, Western University
No classification provided (evidence only). Condition: Clear cell carcinoma of kidney. Review status: no classification provided. Collection method: in vitro. Allele origin: not applicable. Functional consequence: retained intron. Not counted in ClinVar's aggregate classification.

Dr. Peter K. Rogan Lab, Western University
No classification provided (evidence only). Condition: Lung cancer. Review status: no classification provided. Collection method: in vitro. Allele origin: not applicable. Functional consequence: retained intron. Not counted in ClinVar's aggregate classification.

Dr. Peter K. Rogan Lab, Western University
No classification provided (evidence only). Condition: Lung cancer. Review status: no classification provided. Collection method: in vitro. Allele origin: not applicable. Functional consequence: skipped exon, retained intron. Not counted in ClinVar's aggregate classification.

Dr. Peter K. Rogan Lab, Western University
No classification provided (evidence only). Condition: Lung cancer. Review status: no classification provided. Collection method: in vitro. Allele origin: not applicable. Functional consequence: retained intron. Not counted in ClinVar's aggregate classification.

Dr. Peter K. Rogan Lab, Western University
No classification provided (evidence only). Condition: Lung cancer. Review status: no classification provided. Collection method: in vitro. Allele origin: not applicable. Functional consequence: skipped exon. Not counted in ClinVar's aggregate classification.

Dr. Peter K. Rogan Lab, Western University
No classification provided (evidence only). Condition: Acute myeloid leukemia. Review status: no classification provided. Collection method: in vitro. Allele origin: not applicable. Functional consequence: skipped exon, retained intron. Not counted in ClinVar's aggregate classification.

Dr. Peter K. Rogan Lab, Western University
No classification provided (evidence only). Condition: Acute myeloid leukemia. Review status: no classification provided. Collection method: in vitro. Allele origin: not applicable. Functional consequence: retained intron. Not counted in ClinVar's aggregate classification.

Dr. Peter K. Rogan Lab, Western University
No classification provided (evidence only). Condition: Acute myeloid leukemia. Review status: no classification provided. Collection method: in vitro. Allele origin: not applicable. Functional consequence: retained intron. Not counted in ClinVar's aggregate classification.

Dr. Peter K. Rogan Lab, Western University
No classification provided (evidence only). Condition: Acute myeloid leukemia. Review status: no classification provided. Collection method: in vitro. Allele origin: not applicable. Functional consequence: skipped exon, retained intron. Not counted in ClinVar's aggregate classification.